The following is an entry in ClinVar:

NM_018117.12(WDR11):c.3253A>G (p.Thr1085Ala)

Gene: WDR11 (WD repeat domain 11; plus strand). Cytogenetic location: 10q26.12.
Variant type: single nucleotide variant.
Coding change: c.3253A>G on transcript NM_018117.12 (MANE Select); coding-DNA position 3253, A replaced by G.
Protein change: p.Thr1085Ala; replaces threonine 1085 with alanine.
Molecular consequence: missense variant.
Genome position (GRCh38, 1-based): chr10:120,905,378, A>G. VCF-style: chr10-120905378-A-G. GRCh37 (hg19) VCF-style: chr10-122664890-A-G.
Other names: short protein forms T1085A.
Identifiers: ClinVar variation 4750156 (VCV004750156.1).

ClinVar aggregate classification (germline): Uncertain significance (1 of 4 stars; one submission).

gnomAD v4.1: 3 of 1,614,216 alleles (0.00019%); highest among the groups gnomAD compares: Non-Finnish European, 0.00025%; no homozygotes.

Submission:

Labcorp Genetics (formerly Invitae), Labcorp
Classification: Uncertain significance. Last evaluated: 2025-08-04. Review status: criteria provided, single submitter. Criteria: Invitae Variant Classification Sherloc (09022015). Collection method: clinical testing. Allele origin: germline.
Comment: This sequence change replaces threonine, which is neutral and polar, with alanine, which is neutral and non-polar, at codon 1085 of the WDR11 protein (p.Thr1085Ala). This variant is not present in population databases (gnomAD no frequency). This variant has not been reported in the literature in individuals affected with WDR11-related conditions. An algorithm developed to predict the effect of missense changes on protein structure and function (PolyPhen-2) suggests that this variant is likely to be tolerated. In summary, the available evidence is currently insufficient to determine the role of this variant in disease. Therefore, it has been classified as a Variant of Uncertain Significance.